The following is an entry in ClinVar:

NM_003014.4(SFRP4):c.202A>T (p.Asn68Tyr)

Gene: SFRP4 (secreted frizzled related protein 4; minus strand). Cytogenetic location: 7p14.1.
Variant type: single nucleotide variant.
Coding change: c.202A>T on transcript NM_003014.4 (MANE Select); coding-DNA position 202, A replaced by T.
Protein change: p.Asn68Tyr; replaces asparagine 68 with tyrosine.
Molecular consequence: missense variant.
Genome position (GRCh38, 1-based): chr7:37,916,336, T>A on the plus strand (A>T on the coding strand, the complement: SFRP4 is on the minus strand). VCF-style: chr7-37916336-T-A. GRCh37 (hg19) VCF-style: chr7-37955938-T-A.
Other names: c.202A>T (NM_003014.3); short protein forms N68Y.
Identifiers: ClinVar variation 1368066 (VCV001368066.9), dbSNP rs2131990891, ClinGen allele CA367220787.
Genomic context (GRCh38, chr7:37,916,336, plus strand): 5'-CCAGGGTGCAAATGGGCGCGTACATGGCACAGAGGAAGAAGCGCAGCACGGCGCTGCAGT[T>A]CACGTCCACCAGCTCCTCGTACTGCTCGATGGCCAGGATGGCGTTCTCCTGCGTGCTGTG-3'
Protein context (NP_003005.2, residues 58-78): IEQYEELVDV[Asn68Tyr]CSAVLRFFLC

ClinVar aggregate classification (germline): Uncertain significance. Review status: criteria provided, multiple submitters, no conflicts (2 of 4 stars). 2 submissions from 2 submitters: Uncertain significance (2). Last evaluated 2025-03-31.

Conditions:
Inborn genetic diseases. Identifiers: MedGen C0950123, MeSH D030342.

Submissions (2):

Labcorp Genetics (formerly Invitae), Labcorp
Classification: Uncertain significance. Last evaluated: 2025-03-31. Review status: criteria provided, single submitter. Criteria: Invitae Variant Classification Sherloc (09022015). Collection method: clinical testing. Allele origin: germline.
Comment: This sequence change replaces asparagine, which is neutral and polar, with tyrosine, which is neutral and polar, at codon 68 of the SFRP4 protein (p.Asn68Tyr). This variant is not present in population databases (gnomAD no frequency). This variant has not been reported in the literature in individuals affected with SFRP4-related conditions. ClinVar contains an entry for this variant (Variation ID: 1368066). An algorithm developed to predict the effect of missense changes on protein structure and function (PolyPhen-2) suggests that this variant is likely to be disruptive. In summary, the available evidence is currently insufficient to determine the role of this variant in disease. Therefore, it has been classified as a Variant of Uncertain Significance.

Ambry Genetics
Classification: Uncertain significance for Inborn genetic diseases. Last evaluated: 2023-12-19. Review status: criteria provided, single submitter. Criteria: Ambry Variant Classification Scheme 2023. Collection method: clinical testing. Allele origin: germline.